The following is an entry in ClinVar:

ClinVar aggregate classification (germline): Pathogenic/Likely pathogenic. Review status: criteria provided, multiple submitters, no conflicts (2 of 4 stars). 4 submissions from 4 submitters: Pathogenic (2); Likely pathogenic (1). 1 of the submissions does not count toward it. Last evaluated 2024-11-05.

Conditions:
RP1-related disorder. Also called: RP1-related condition.
Inborn genetic diseases. Identifiers: MedGen C0950123, MeSH D030342.

Submissions (4):

Labcorp Genetics (formerly Invitae), Labcorp
Classification: Pathogenic. Last evaluated: 2024-11-05. Review status: criteria provided, single submitter. Criteria: Invitae Variant Classification Sherloc (09022015). Collection method: clinical testing. Allele origin: germline.
Comment: This sequence change creates a premature translational stop signal (p.Arg154Thrfs*75) in the RP1 gene. It is expected to result in an absent or disrupted protein product. Loss-of-function variants in RP1 are known to be pathogenic (PMID: 11960024, 19933189). This variant is present in population databases (rs781249059, gnomAD 0.003%). This variant has not been reported in the literature in individuals affected with RP1-related conditions. ClinVar contains an entry for this variant (Variation ID: 985322). For these reasons, this variant has been classified as Pathogenic.

Blueprint Genetics
Classification: Likely pathogenic for RP1-related disorders. Last evaluated: 2021-09-28. Review status: criteria provided, single submitter. Criteria: ACMG Guidelines, 2015. Collection method: clinical testing. Allele origin: germline. Affected: yes. Observed: 1 variant allele.

Ambry Genetics
Classification: Pathogenic for Inborn genetic diseases. Last evaluated: 2018-01-23. Review status: criteria provided, single submitter. Criteria: Ambry exome assertion method (8-5-2015). Collection method: clinical testing. Allele origin: germline. Affected: yes. Observed: 1 variant allele.

PreventionGenetics, part of Exact Sciences
Classification: Likely pathogenic for RP1-related condition. Last evaluated: 2023-12-19. Review status: no assertion criteria provided. Collection method: clinical testing. Allele origin: germline. Not counted in ClinVar's aggregate classification.
Comment: The RP1 c.458dupC variant is predicted to result in a frameshift and premature protein termination (p.Arg154Thrfs*75). To our knowledge, this variant has not been reported in the literature. This variant is reported in 0.0029% of alleles in individuals of Latino descent in gnomAD. Frameshift variants in RP1 are expected to be pathogenic. This variant is interpreted as likely pathogenic.

Literature cited by the submitters: PubMed 11960024 (cited by Labcorp Genetics (formerly Invitae), Labcorp); PubMed 19933189 (cited by Labcorp Genetics (formerly Invitae), Labcorp and Ambry Genetics); PubMed 25883087 (cited by Ambry Genetics).

NM_006269.2(RP1):c.458dup (p.Arg154fs)

Gene: RP1 (RP1 axonemal microtubule associated; plus strand). Cytogenetic location: 8q12.1.
Variant type: Duplication.
Coding change: c.458dup on transcript NM_006269.2 (MANE Select); coding-DNA position 458, one base duplicated (C; older notation c.458dupC).
Protein change: p.Arg154fs; shifts the reading frame from arginine 154.
Molecular consequence: frameshift variant.
Genome position (GRCh38, 1-based): chr8:54,621,424, C duplicated; the last of 6 consecutive C bases (chr8:54,621,419-54,621,424); duplicating any one gives the same sequence. VCF-style (leftmost placement, unchanged base first): chr8-54621418-G-GC. GRCh37 (hg19) VCF-style: chr8-55533978-G-GC.
Other names: c.458dup, p.Arg154fs (NM_001375654.1); short protein forms R154fs.
Identifiers: ClinVar variation 985322 (VCV000985322.9), dbSNP rs781249059, ClinGen allele CA4751168.